The following is an entry in ClinVar:

NC_000001.10:g.(?_161748014)_(161748130_?)dup

Gene: ATF6 (activating transcription factor 6; plus strand). Cytogenetic location: 1q23.3.
Variant type: Duplication.
Identifiers: ClinVar variation 1348663 (VCV001348663.5).

ClinVar aggregate classification (germline): Likely pathogenic (1 of 4 stars; one submission).

Submission:

Labcorp Genetics (formerly Invitae), Labcorp
Classification: Likely pathogenic. Last evaluated: 2023-10-23. Review status: criteria provided, single submitter. Criteria: Invitae Variant Classification Sherloc (09022015). Collection method: clinical testing. Allele origin: germline.
Comment: This variant results in a copy number gain of the genomic region encompassing exon(s) 2 of the ATF6 gene. While the exact position of this variant cannot be determined from the data, sub-genic copy number gains are generally in tandem (PMID: 25640679). This variant is predicted to be out-of-frame, and may result in an absent or disrupted protein product. Loss-of-function variants in ATF6 are known to be pathogenic (PMID: 26029869, 26063662, 26070061). This variant has not been reported in the literature in individuals affected with ATF6-related conditions. In summary, the currently available evidence indicates that the variant is pathogenic, but additional data are needed to prove that conclusively. Therefore, this variant has been classified as Likely Pathogenic.

Literature cited by the submitters: PubMed 25640679; PubMed 26029869; PubMed 26063662; PubMed 26070061.